The following is an entry in ClinVar:

NM_198525.3(KIF7):c.1270C>T (p.Arg424Cys)

Gene: KIF7 (kinesin family member 7; minus strand). Cytogenetic location: 15q26.1.
Variant type: single nucleotide variant.
Coding change: c.1270C>T on transcript NM_198525.3 (MANE Select); coding-DNA position 1270, C replaced by T.
Protein change: p.Arg424Cys; replaces arginine 424 with cysteine.
Molecular consequence: missense variant.
Genome position (GRCh38, 1-based): chr15:89,648,428, G>A on the plus strand (C>T on the coding strand, the complement: KIF7 is on the minus strand). VCF-style: chr15-89648428-G-A. GRCh37 (hg19) VCF-style: chr15-90191659-G-A.
Other names: short protein forms R424C.
Identifiers: ClinVar variation 197898 (VCV000197898.11), dbSNP rs550404869, ClinGen allele CA020198.
Genomic context (GRCh38, chr15:89,648,428, plus strand): 5'-GCCAGTCGCGCACCTTGCGGGCGGCGGCGCCGGGCAGCCCGGGCTCGGCCTGCAGCTCGC[G>A]CAAGAGGCTGTAGGCGGCGTCGGTGCAGGCCCGGTAGCGCGCGCACTCGGCGCCCAGGCG-3'
Protein context (NP_940927.2, residues 414-434): ACTDAAYSLL[Arg424Cys]ELQAEPGLPG

ClinVar aggregate classification (germline): Uncertain significance. Review status: criteria provided, multiple submitters, no conflicts (2 of 4 stars). 4 submissions from 4 submitters: Uncertain significance (4). Last evaluated 2024-06-14.

Conditions:
Hydrolethalus syndrome 2 (HLS2). Identifiers: Orphanet 2189, MedGen C3279899, MONDO:0013585, OMIM 614120.
Acrocallosal syndrome (ACLS). Also called: Schinzel syndrome 1; Absence of corpus callosum with unusual facial appearance, mental deficiency, duplication of the halluces and polydactyly; HALLUX DUPLICATION, POSTAXIAL POLYDACTYLY, AND ABSENCE OF CORPUS CALLOSUM. Identifiers: Orphanet 36, MedGen C0796147, MONDO:0008708, OMIM 200990.
Multiple epiphyseal dysplasia, Al-Gazali type. Also called: Macrocephaly with multiple epiphyseal dysplasia and distinctive facies. Identifiers: Orphanet 166024, MedGen C1846722, MONDO:0011778, OMIM 607131.

Allele frequency attached by ClinVar (database versions not stated): gnomAD 0.00024; TOPMed 0.00037; 1000 Genomes Project 0.00140; 1000 Genomes Project 30x 0.00141.
gnomAD v4.1: 55 of 1,115,044 alleles (0.0049%); highest among the groups gnomAD compares: African/African-American, 0.067%; no homozygotes.

Submissions (4):

Fulgent Genetics
Classification: Uncertain significance for Acrocallosal syndrome; Multiple epiphyseal dysplasia, Al-Gazali type; Hydrolethalus syndrome 2. Last evaluated: 2024-06-14. Review status: criteria provided, single submitter. Criteria: ACMG Guidelines, 2015. Collection method: clinical testing. Allele origin: germline.

Labcorp Genetics (formerly Invitae), Labcorp
Classification: Uncertain significance for Acrocallosal syndrome. Last evaluated: 2022-08-23. Review status: criteria provided, single submitter. Criteria: Invitae Variant Classification Sherloc (09022015). Collection method: clinical testing. Allele origin: germline.
Comment: This sequence change replaces arginine, which is basic and polar, with cysteine, which is neutral and slightly polar, at codon 424 of the KIF7 protein (p.Arg424Cys). This variant is present in population databases (rs550404869, gnomAD 0.05%). This variant has not been reported in the literature in individuals affected with KIF7-related conditions. ClinVar contains an entry for this variant (Variation ID: 197898). Algorithms developed to predict the effect of missense changes on protein structure and function are either unavailable or do not agree on the potential impact of this missense change (SIFT: "Deleterious"; PolyPhen-2: "Benign"; Align-GVGD: "Class C0"). In summary, the available evidence is currently insufficient to determine the role of this variant in disease. Therefore, it has been classified as a Variant of Uncertain Significance.

Blueprint Genetics
Classification: Uncertain significance. Last evaluated: 2022-03-17. Review status: criteria provided, single submitter. Criteria: ACMG Guidelines, 2015. Collection method: clinical testing. Allele origin: germline.

Eurofins Ntd Llc (ga)
Classification: Uncertain significance. Last evaluated: 2015-01-27. Review status: criteria provided, single submitter. Criteria: EGL Classification Definitions 2015. Collection method: clinical testing. Allele origin: germline. Observed: 1 variant allele, 1 heterozygote.